The following is an entry in ClinVar:

ClinVar aggregate classification (germline): Uncertain significance (1 of 4 stars; one submission).

Submission:

Women's Health and Genetics/Laboratory Corporation of America, LabCorp
Classification: Uncertain significance. Last evaluated: 2026-03-11. Review status: criteria provided, single submitter. Criteria: LabCorp Variant Classification Summary - May 2015. Collection method: clinical testing. Allele origin: germline.
Comment: Variant summary: HNF1A c.643_648delTTCCAG (p.Phe215_Gln216del) results in an in-frame deletion that is predicted to remove 2 amino acids from the encoded protein. The variant was absent in 251296 control chromosomes. The available data on variant occurrences in the general population are insufficient to allow any conclusion about variant significance. To our knowledge, no occurrence of c.643_648delTTCCAG in individuals affected with HNF1A-related conditions and no experimental evidence demonstrating its impact on protein function have been reported. No submitters have cited clinical-significance assessments for this variant to ClinVar. Based on the evidence outlined above, the variant was classified as uncertain significance.

NM_000545.8(HNF1A):c.643_648del (p.Phe215_Gln216del)

Gene: HNF1A (HNF1 homeobox A; plus strand). Cytogenetic location: 12q24.31.
Variant type: Deletion.
Coding change: c.643_648del on transcript NM_000545.8 (MANE Select); coding-DNA positions 643 to 648, 6 bases deleted (TTCCAG; older notation c.643_648delTTCCAG).
Protein change: p.Phe215_Gln216del.
Genome position (GRCh38, 1-based): chr12:120,993,636-120,993,641, TTCCAG deleted; deleting any 6 consecutive bases within chr12:120,993,635-120,993,641 gives the same sequence; the c. name uses the placement nearest the transcript's 3' end. VCF-style (leftmost placement, unchanged base first): chr12-120993634-TGTTCCA-T. GRCh37 (hg19) VCF-style: chr12-121431437-TGTTCCA-T.
Other names: c.643_648delTTCCAG (NM_000545.8); c.643_648del, p.Phe215_Gln216del (NM_001306179.2, NM_001406915.1).
Identifiers: ClinVar variation 4847315 (VCV004847315.1).